The following is an entry in ClinVar:

NM_020964.3(EPG5):c.6078C>A (p.Ala2026=)

Gene: EPG5 (ectopic P-granules 5 autophagy tethering factor; minus strand). Cytogenetic location: 18q12.3.
Variant type: single nucleotide variant.
Coding change: c.6078C>A on transcript NM_020964.3 (MANE Select); coding-DNA position 6078, C replaced by A.
Protein change: p.Ala2026=; no amino-acid change (alanine 2026 retained).
Molecular consequence: synonymous variant.
Genome position (GRCh38, 1-based): chr18:45,870,714, G>T on the plus strand (C>A on the coding strand, the complement: EPG5 is on the minus strand). VCF-style: chr18-45870714-G-T. GRCh37 (hg19) VCF-style: chr18-43450679-G-T.
Identifiers: ClinVar variation 722796 (VCV000722796.20), dbSNP rs368663653, ClinGen allele CA8948368.

ClinVar aggregate classification (germline): Benign/Likely benign. Review status: criteria provided, multiple submitters, no conflicts (2 of 4 stars). 4 submissions from 4 submitters: Benign (1); Likely benign (3). Last evaluated 2026-04-01.

Conditions:
EPG5-related disorder. Also called: EPG5-related condition. Identifiers: MedGen CN381528.
Vici syndrome (VICIS). Identifiers: Orphanet 1493, MedGen C1855772, MONDO:0009452, OMIM 242840.

Allele frequency attached by ClinVar (database versions not stated): TOPMed 0.00006; ESP Exome Variant Server 0.00008; ExAC 0.00015; 1000 Genomes Project 30x 0.00016; gnomAD 0.00019 and 0.00020; 1000 Genomes Project 0.00020; gnomAD exomes 0.00028.
gnomAD v4.1: 221 of 1,610,528 alleles (0.014%); highest among the groups gnomAD compares: Middle Eastern, 0.017%; 1 homozygote.

Submissions (4):

CeGaT Center for Human Genetics Tuebingen
Classification: Likely benign. Last evaluated: 2026-04-01. Review status: criteria provided, single submitter. Criteria: CeGaT Center For Human Genetics Tuebingen Variant Classification Criteria Version 2. Collection method: clinical testing. Allele origin: germline. Affected: yes. Observed: 2 variant alleles.
Comment: EPG5: BP4, BP7

Labcorp Genetics (formerly Invitae), Labcorp
Classification: Benign for Vici syndrome. Last evaluated: 2026-01-24. Review status: criteria provided, single submitter. Criteria: Invitae Variant Classification Sherloc (09022015). Collection method: clinical testing. Allele origin: germline.

PreventionGenetics, part of Exact Sciences
Classification: Likely benign for EPG5-related condition. Last evaluated: 2025-09-19. Review status: criteria provided, single submitter. Criteria: ACMG Guidelines, 2015. Collection method: clinical testing. Allele origin: germline.
Comment: This variant is classified as likely benign based on ACMG/AMP sequence variant interpretation guidelines (Richards et al. 2015 PMID: 25741868, with internal and published modifications).

Blueprint Genetics
Classification: Likely benign. Last evaluated: 2024-11-07. Review status: criteria provided, single submitter. Criteria: ACMG Guidelines, 2015. Collection method: clinical testing. Allele origin: germline.